The following is an entry in ClinVar:

NM_006031.6(PCNT):c.5074G>A (p.Val1692Ile)

Gene: PCNT (pericentrin; plus strand). Cytogenetic location: 21q22.3.
Variant type: single nucleotide variant.
Coding change: c.5074G>A on transcript NM_006031.6 (MANE Select); coding-DNA position 5074, G replaced by A.
Protein change: p.Val1692Ile; replaces valine 1692 with isoleucine.
Molecular consequence: missense variant.
Genome position (GRCh38, 1-based): chr21:46,402,442, G>A. VCF-style: chr21-46402442-G-A. GRCh37 (hg19) VCF-style: chr21-47822356-G-A.
Other names: c.4720G>A, p.Val1574Ile (NM_001315529.2); short protein forms V1692I, V1574I.
Identifiers: ClinVar variation 284216 (VCV000284216.19), dbSNP rs113342730, ClinGen allele CA10079873.

ClinVar aggregate classification (germline): Conflicting classifications of pathogenicity. Review status: criteria provided, conflicting classifications (1 of 4 stars). 6 submissions from 6 submitters: Uncertain significance (3); Likely benign (3). Last evaluated 2026-06-11.

Conditions:
Inborn genetic diseases. Identifiers: MedGen C0950123, MeSH D030342.
PCNT-related disorder. Also called: PCNT-related condition.

Allele frequency attached by ClinVar (database versions not stated): TOPMed 0.00010; ESP Exome Variant Server 0.00015; 1000 Genomes Project 30x 0.00062; 1000 Genomes Project 0.00080.
gnomAD v4.1: 69 of 1,614,112 alleles (0.0043%); highest among the groups gnomAD compares: Middle Eastern, 0.099%; no homozygotes.

Submissions (6):

PreventionGenetics, part of Exact Sciences
Classification: Uncertain significance for PCNT-related condition. Last evaluated: 2026-06-11. Review status: criteria provided, single submitter. Criteria: ACMG Guidelines, 2015. Collection method: clinical testing. Allele origin: germline.
Comment: The PCNT c.5074G>A variant is predicted to result in the amino acid substitution p.Val1692Ile. To our knowledge, this variant has not been reported in the literature. This variant is reported in 0.024% of alleles in individuals of African descent in gnomAD. At this time, the clinical significance of this variant is uncertain due to the absence of conclusive functional and genetic evidence.

Blueprint Genetics
Classification: Likely benign. Last evaluated: 2024-08-09. Review status: criteria provided, single submitter. Criteria: ACMG Guidelines, 2015. Collection method: clinical testing. Allele origin: germline.

Labcorp Genetics (formerly Invitae), Labcorp
Classification: Uncertain significance. Last evaluated: 2022-10-13. Review status: criteria provided, single submitter. Criteria: Invitae Variant Classification Sherloc (09022015). Collection method: clinical testing. Allele origin: germline.
Comment: This sequence change replaces valine, which is neutral and non-polar, with isoleucine, which is neutral and non-polar, at codon 1692 of the PCNT protein (p.Val1692Ile). This variant is present in population databases (rs113342730, gnomAD 0.02%). This variant has not been reported in the literature in individuals affected with PCNT-related conditions. ClinVar contains an entry for this variant (Variation ID: 284216). Algorithms developed to predict the effect of missense changes on protein structure and function output the following: SIFT: "Tolerated"; PolyPhen-2: "Benign"; Align-GVGD: "Class C0". The isoleucine amino acid residue is found in multiple mammalian species, which suggests that this missense change does not adversely affect protein function. In summary, the available evidence is currently insufficient to determine the role of this variant in disease. Therefore, it has been classified as a Variant of Uncertain Significance.

Ambry Genetics
Classification: Likely benign for Inborn genetic diseases. Last evaluated: 2021-08-30. Review status: criteria provided, single submitter. Criteria: Ambry Variant Classification Scheme 2023. Collection method: clinical testing. Allele origin: germline.

Genetic Services Laboratory, University of Chicago
Classification: Uncertain significance. Last evaluated: 2016-08-08. Review status: criteria provided, single submitter. Criteria: ACMG Guidelines, 2015. Collection method: clinical testing. Allele origin: germline. Affected: no.

Eurofins Ntd Llc (ga)
Classification: Likely benign. Last evaluated: 2015-10-30. Review status: criteria provided, single submitter. Criteria: EGL Classification Definitions 2015. Collection method: clinical testing. Allele origin: germline. Observed: 1 variant allele, 1 heterozygote.